The following is an entry in ClinVar:

ClinVar aggregate classification (germline): Uncertain significance (1 of 4 stars; one submission).

Conditions:
Hypertrophic cardiomyopathy 25 (CMH25). Also called: CARDIOMYOPATHY, FAMILIAL HYPERTROPHIC, 25. Identifiers: MedGen C4225408, MONDO:0011843, OMIM 607487.
Primary familial hypertrophic cardiomyopathy (HCM). Identifiers: Orphanet 99739, MedGen C0949658, MeSH D024741, MONDO:0024573. Inheritance: Various modes of inheritance.

gnomAD v4.1: 1 of 1,611,460 alleles (0.000062%); highest among the groups gnomAD compares: African/African-American, 0.0013%; no homozygotes.

Submission:

Labcorp Genetics (formerly Invitae), Labcorp
Classification: Uncertain significance for Hypertrophic cardiomyopathy 25; Primary familial hypertrophic cardiomyopathy. Last evaluated: 2025-11-24. Review status: criteria provided, single submitter. Criteria: Invitae Variant Classification Sherloc (09022015). Collection method: clinical testing. Allele origin: germline.
Comment: This sequence change replaces lysine, which is basic and polar, with glutamic acid, which is acidic and polar, at codon 138 of the TCAP protein (p.Lys138Glu). This variant is not present in population databases (gnomAD no frequency). This variant has not been reported in the literature in individuals affected with TCAP-related conditions. An algorithm developed to predict the effect of missense changes on protein structure and function (PolyPhen-2) suggests that this variant is likely to be disruptive. In summary, the available evidence is currently insufficient to determine the role of this variant in disease. Therefore, it has been classified as a Variant of Uncertain Significance.

NM_003673.4(TCAP):c.412A>G (p.Lys138Glu)

Gene: TCAP (titin-cap; plus strand). Cytogenetic location: 17q12.
Variant type: single nucleotide variant.
Coding change: c.412A>G on transcript NM_003673.4 (MANE Select); coding-DNA position 412, A replaced by G.
Protein change: p.Lys138Glu; replaces lysine 138 with glutamic acid.
Molecular consequence: missense variant.
Genome position (GRCh38, 1-based): chr17:39,666,017, A>G. VCF-style: chr17-39666017-A-G. GRCh37 (hg19) VCF-style: chr17-37822270-A-G.
Other names: short protein forms K138E.
Identifiers: ClinVar variation 4793184 (VCV004793184.1).